The following is an entry in ClinVar:

ClinVar aggregate classification (germline): Pathogenic (1 of 4 stars; one submission).

Conditions:
Leber congenital amaurosis 2 (LCA2). Also called: AMAUROSIS CONGENITA OF LEBER II; Autosomal Recessive RPE65-Related Retinal Degeneration. Identifiers: Orphanet 65, MedGen C1859844, MONDO:0008765, OMIM 204100. Disease mechanism: loss of function.
Retinitis pigmentosa 20 (RP20). Identifiers: Orphanet 791, MedGen C3151086, MONDO:0013425, OMIM 613794.

Submission:

Labcorp Genetics (formerly Invitae), Labcorp
Classification: Pathogenic for Leber congenital amaurosis 2; Retinitis pigmentosa 20. Last evaluated: 2023-02-04. Review status: criteria provided, single submitter. Criteria: Invitae Variant Classification Sherloc (09022015). Collection method: clinical testing. Allele origin: germline.
Comment: This sequence change creates a premature translational stop signal (p.Ser201Glnfs*7) in the RPE65 gene. It is expected to result in an absent or disrupted protein product. Loss-of-function variants in RPE65 are known to be pathogenic (PMID: 9326941, 9501220, 9843205, 18632300). This variant is not present in population databases (gnomAD no frequency). This variant has not been reported in the literature in individuals affected with RPE65-related conditions. For these reasons, this variant has been classified as Pathogenic.

Literature cited by the submitters: PubMed 9326941; PubMed 9501220; PubMed 9843205; PubMed 18632300.

NM_000329.3(RPE65):c.601del (p.Ser201fs)

Gene: RPE65 (retinoid isomerohydrolase RPE65; minus strand). Cytogenetic location: 1p31.3.
Variant type: Deletion.
Coding change: c.601del on transcript NM_000329.3 (MANE Select); coding-DNA position 601, one base deleted (T; older notation c.601delT).
Protein change: p.Ser201fs; shifts the reading frame from serine 201.
Molecular consequence: frameshift variant.
Genome position (GRCh38, 1-based): chr1:68,440,895, A deleted on the plus strand (T on the coding strand, the reverse complement: RPE65 is on the minus strand); the first of 5 consecutive A bases (chr1:68,440,895-68,440,899); deleting any one gives the same sequence. VCF-style (leftmost placement, unchanged base first): chr1-68440894-GA-G. GRCh37 (hg19) VCF-style: chr1-68906577-GA-G.
Other names: c.493del, p.Ser165fs (NM_001406853.1); c.325del, p.Ser109fs (NM_001406856.1, NM_001406857.1); c.601del, p.Ser201fs (NM_001406859.1); short protein forms S109fs, S165fs, S201fs.
Identifiers: ClinVar variation 2943937 (VCV002943937.3), dbSNP rs2523432202, ClinGen allele CA2740090777.